The following is an entry in ClinVar:

ClinVar aggregate classification (germline): Uncertain significance (1 of 4 stars; one submission).

Conditions:
Spondyloepiphyseal dysplasia with congenital joint dislocations (SEDCJD). Also called: Chondrodysplasia with Congenital Joint Dislocations, CHST3-Related. Identifiers: Orphanet 263463, MedGen C1837657, MONDO:0007738, OMIM 143095.

Submission:

Labcorp Genetics (formerly Invitae), Labcorp
Classification: Uncertain significance for Spondyloepiphyseal dysplasia with congenital joint dislocations. Last evaluated: 2021-09-22. Review status: criteria provided, single submitter. Criteria: Invitae Variant Classification Sherloc (09022015). Collection method: clinical testing. Allele origin: germline.
Comment: This variant is not present in population databases (ExAC no frequency). This sequence change replaces glutamic acid with alanine at codon 150 of the CHST3 protein (p.Glu150Ala). The glutamic acid residue is moderately conserved and there is a moderate physicochemical difference between glutamic acid and alanine. This missense change has been observed in individual(s) with clinical features of spondyloepiphyseal dysplasia (Invitae). In at least one individual the data is consistent with the variant being in trans (on the opposite chromosome) from a pathogenic variant. In summary, the available evidence is currently insufficient to determine the role of this variant in disease. Therefore, it has been classified as a Variant of Uncertain Significance. Algorithms developed to predict the effect of missense changes on protein structure and function are either unavailable or do not agree on the potential impact of this missense change (SIFT: "Deleterious"; PolyPhen-2: "Probably Damaging"; Align-GVGD: "Class C0"). ClinVar contains an entry for this variant (Variation ID: 943643).

NM_004273.5(CHST3):c.449A>C (p.Glu150Ala)

Gene: CHST3 (carbohydrate sulfotransferase 3; plus strand). Cytogenetic location: 10q22.1.
Variant type: single nucleotide variant.
Coding change: c.449A>C on transcript NM_004273.5 (MANE Select); coding-DNA position 449, A replaced by C.
Protein change: p.Glu150Ala; replaces glutamic acid 150 with alanine.
Molecular consequence: missense variant.
Genome position (GRCh38, 1-based): chr10:72,007,480, A>C. VCF-style: chr10-72007480-A-C. GRCh37 (hg19) VCF-style: chr10-73767238-A-C.
Other names: short protein forms E150A.
Identifiers: ClinVar variation 943643 (VCV000943643.7), dbSNP rs1840053078, ClinGen allele CA377143856.